The following is an entry in ClinVar:

ClinVar aggregate classification (germline): Uncertain significance (1 of 4 stars; one submission).

Conditions:
Early-infantile DEE. Also called: Early infantile epileptic encephalopathy; Ohtahara syndrome; Early infantile epileptic encephalopathy with suppression bursts. Identifiers: Orphanet 1934, MedGen C0393706, MONDO:0800491.

Submission:

Labcorp Genetics (formerly Invitae), Labcorp
Classification: Uncertain significance for Early-infantile DEE. Last evaluated: 2025-11-09. Review status: criteria provided, single submitter. Criteria: Invitae Variant Classification Sherloc (09022015). Collection method: clinical testing. Allele origin: germline.
Comment: This sequence change replaces phenylalanine, which is neutral and non-polar, with valine, which is neutral and non-polar, at codon 811 of the SCN1A protein (p.Phe811Val). This variant is not present in population databases (gnomAD no frequency). This variant has not been reported in the literature in individuals affected with SCN1A-related conditions. ClinVar contains an entry for this variant (Variation ID: 2016596). Invitae Evidence Modeling of protein sequence and biophysical properties (such as structural, functional, and spatial information, amino acid conservation, physicochemical variation, residue mobility, and thermodynamic stability) indicates that this missense variant is expected to disrupt SCN1A protein function with a positive predictive value of 95%. In summary, the available evidence is currently insufficient to determine the role of this variant in disease. Therefore, it has been classified as a Variant of Uncertain Significance.

NM_001165963.4(SCN1A):c.2431T>G (p.Phe811Val)

Gene: SCN1A (sodium voltage-gated channel alpha subunit 1; minus strand). Cytogenetic location: 2q24.3.
Variant type: single nucleotide variant.
Coding change: c.2431T>G on transcript NM_001165963.4 (MANE Select); coding-DNA position 2431, T replaced by G.
Protein change: p.Phe811Val; replaces phenylalanine 811 with valine.
Molecular consequence: missense variant. On other transcripts: 5 prime UTR variant (1), non-coding transcript variant (1).
Genome position (GRCh38, 1-based): chr2:166,039,581, A>C on the plus strand (T>G on the coding strand, the complement: SCN1A is on the minus strand). VCF-style: chr2-166039581-A-C. GRCh37 (hg19) VCF-style: chr2-166896091-A-C.
Other names: c.2347T>G, p.Phe783Val (NM_001165964.3, NM_001353957.2, NM_001353958.2); c.2431T>G, p.Phe811Val (NM_001202435.3, NM_001353948.2); c.2398T>G, p.Phe800Val (NM_001353949.2, NM_001353950.2, NM_001353951.2 and 2 more transcripts); c.2395T>G, p.Phe799Val (NM_001353954.2, NM_001353955.2); c.2344T>G, p.Phe782Val (NM_001353960.2); c.-12T>G (NM_001353961.2); short protein forms F800V, F783V, F782V, F799V, F811V.
Identifiers: ClinVar variation 2016596 (VCV002016596.4), dbSNP rs2468115681, ClinGen allele CA349062763.
Genomic context (GRCh38, chr2:166,039,581, plus strand): 5'-CTTCTTGGAAATAATAGTAAGGATCCATGGCAATAATTTTCAGAAACATTTCTGCTGTAA[A>C]GATCCCAGTGAAAACCTAAGATCAAAACAAAATTAATCTAATTCCACCAGATAATAACAT-3'
Protein context (NP_001159435.1, residues 801-821): TVGNLVFTGI[Phe811Val]TAEMFLKIIA